The following is an entry in ClinVar:

NM_001242896.3(DEPDC5):c.2052C>T (p.Asn684=)

Gene: DEPDC5 (DEP domain containing 5, GATOR1 subcomplex subunit; plus strand). Cytogenetic location: 22q12.3.
Variant type: single nucleotide variant.
Coding change: c.2052C>T on transcript NM_001242896.3 (MANE Select); coding-DNA position 2052, C replaced by T.
Protein change: p.Asn684=; no amino-acid change (asparagine 684 retained).
Molecular consequence: synonymous variant. On other transcripts: non-coding transcript variant (4), intron variant (3).
Genome position (GRCh38, 1-based): chr22:31,822,738, C>T. VCF-style: chr22-31822738-C-T. GRCh37 (hg19) VCF-style: chr22-32218724-C-T.
Other names: c.2052C>T, p.Asn684= (NM_001136029.4, NM_001363852.2, NM_001364318.2 and 3 more transcripts); c.1968C>T, p.Asn656= (NM_001369901.1, NM_001369902.1); c.1870+3513C>T (NM_001363854.2, NM_001242897.2, NM_001364319.2).
Identifiers: ClinVar variation 1697038 (VCV001697038.2), dbSNP rs537853596, ClinGen allele CA514265876.

ClinVar aggregate classification (germline): Uncertain significance (1 of 4 stars; one submission).

gnomAD v4.1: 2 of 1,614,172 alleles (0.00012%); no homozygotes.

Submission:

GeneDx
Classification: Uncertain significance. Last evaluated: 2022-01-13. Review status: criteria provided, single submitter. Criteria: GeneDx Variant Classification Process June 2021. Collection method: clinical testing. Allele origin: germline. Affected: yes.
Comment: Not observed at significant frequency in large population cohorts (gnomAD); Has not been previously published as pathogenic or benign to our knowledge; In-silico analysis is inconclusive as to whether the variant alters gene splicing. In the absence of RNA/functional studies, the actual effect of this sequence change is unknown.